The following is an entry in ClinVar:

ClinVar aggregate classification (germline): Benign/Likely benign. Review status: criteria provided, multiple submitters, no conflicts (2 of 4 stars). 10 submissions from 10 submitters: Benign (8); Likely benign (1). 1 of the submissions does not count toward it. Last evaluated 2026-10-01.

Conditions:
Inborn genetic diseases. Identifiers: MedGen C0950123, MeSH D030342.
KBG syndrome (KBGS). Also called: ANKRD11-Related KBG Syndrome. Identifiers: Orphanet 2332, MedGen C0220687, MONDO:0007846, OMIM 148050.
ANKRD11-related disorder. Also called: ANKRD11-related condition.

Allele frequency attached by ClinVar (database versions not stated): 1000 Genomes Project 30x 0.00328; 1000 Genomes Project 0.00339; gnomAD 0.00424; ExAC 0.00462; ESP Exome Variant Server 0.00539; TOPMed 0.00601.
gnomAD v4.1: 8,871 of 1,614,182 alleles (0.55%); highest among the groups gnomAD compares: Middle Eastern, 1.3%; 35 homozygotes.

Submissions (10):

CeGaT Center for Human Genetics Tuebingen
Classification: Benign. Last evaluated: 2026-10-01. Review status: criteria provided, single submitter. Criteria: CeGaT Center For Human Genetics Tuebingen Variant Classification Criteria Version 2. Collection method: clinical testing. Allele origin: germline. Affected: yes. Observed: 81 variant alleles.
Comment: ANKRD11: BP4, BS1, BS2

Women's Health and Genetics/Laboratory Corporation of America, LabCorp
Classification: Likely benign. Last evaluated: 2026-05-11. Review status: criteria provided, single submitter. Criteria: LabCorp Variant Classification Summary - May 2015. Collection method: clinical testing. Allele origin: germline.

Labcorp Genetics (formerly Invitae), Labcorp
Classification: Benign for KBG syndrome. Last evaluated: 2026-02-03. Review status: criteria provided, single submitter. Criteria: Invitae Variant Classification Sherloc (09022015). Collection method: clinical testing. Allele origin: germline.

Athena Diagnostics
Classification: Benign. Last evaluated: 2024-04-30. Review status: criteria provided, single submitter. Criteria: Athena Diagnostics Criteria. Collection method: clinical testing. Allele origin: unknown.

ARUP Laboratories, Molecular Genetics and Genomics, ARUP Laboratories
Classification: Benign for KBG syndrome. Last evaluated: 2023-09-11. Review status: criteria provided, single submitter. Criteria: ARUP Molecular Germline Variant Investigation Process 2024. Collection method: clinical testing. Allele origin: germline.

Genome-Nilou Lab
Classification: Benign for KBG syndrome. Last evaluated: 2021-12-05. Review status: criteria provided, single submitter. Criteria: ACMG Guidelines, 2015. Collection method: clinical testing. Allele origin: germline. Affected: no.

GeneDx
Classification: Benign. Last evaluated: 2018-12-05. Review status: criteria provided, single submitter. Criteria: GeneDx Variant Classification Process June 2021. Collection method: clinical testing. Allele origin: germline. Affected: yes.

Ambry Genetics
Classification: Benign for Inborn genetic diseases. Last evaluated: 2017-09-05. Review status: criteria provided, single submitter. Criteria: Ambry Variant Classification Scheme 2023. Collection method: clinical testing. Allele origin: germline.

Breakthrough Genomics
Classification: Benign. Review status: criteria provided, single submitter. Criteria: ACMG Guidelines, 2015. Collection method: not provided. Allele origin: germline. Inheritance: Autosomal dominant inheritance. Affected: yes.

PreventionGenetics, part of Exact Sciences
Classification: Benign for ANKRD11-related condition. Last evaluated: 2019-06-07. Review status: no assertion criteria provided. Collection method: clinical testing. Allele origin: germline. Not counted in ClinVar's aggregate classification.
Comment: This variant is classified as benign based on ACMG/AMP sequence variant interpretation guidelines (Richards et al. 2015 PMID: 25741868, with internal and published modifications).

NM_013275.6(ANKRD11):c.5338G>A (p.Ala1780Thr)

Gene: ANKRD11 (ankyrin repeat domain 11; minus strand). Cytogenetic location: 16q24.3.
Variant type: single nucleotide variant.
Coding change: c.5338G>A on transcript NM_013275.6 (MANE Select); coding-DNA position 5338, G replaced by A.
Protein change: p.Ala1780Thr; replaces alanine 1780 with threonine.
Molecular consequence: missense variant.
Genome position (GRCh38, 1-based): chr16:89,281,204, C>T on the plus strand (G>A on the coding strand, the complement: ANKRD11 is on the minus strand). VCF-style: chr16-89281204-C-T. GRCh37 (hg19) VCF-style: chr16-89347612-C-T.
Other names: c.5338G>A, p.Ala1780Thr (NM_001256182.2, NM_001256183.2); short protein forms A1780T.
Identifiers: ClinVar variation 528452 (VCV000528452.51), dbSNP rs75362060, ClinGen allele CA8241872.